The following is an entry in ClinVar:

NM_005559.4(LAMA1):c.3724G>A (p.Ala1242Thr)

Gene: LAMA1 (laminin subunit alpha 1; minus strand). Cytogenetic location: 18p11.31.
Variant type: single nucleotide variant.
Coding change: c.3724G>A on transcript NM_005559.4 (MANE Select); coding-DNA position 3724, G replaced by A.
Protein change: p.Ala1242Thr; replaces alanine 1242 with threonine.
Molecular consequence: missense variant.
Genome position (GRCh38, 1-based): chr18:7,010,349, C>T on the plus strand (G>A on the coding strand, the complement: LAMA1 is on the minus strand). VCF-style: chr18-7010349-C-T. GRCh37 (hg19) VCF-style: chr18-7010348-C-T.
Other names: short protein forms A1242T.
Identifiers: ClinVar variation 714867 (VCV000714867.36), dbSNP rs115127419, ClinGen allele CA8882155.

ClinVar aggregate classification (germline): Likely benign. Review status: criteria provided, multiple submitters, no conflicts (2 of 4 stars). 6 submissions from 6 submitters: Likely benign (5). 1 of the submissions does not count toward it. Last evaluated 2026-08-01.

Conditions:
LAMA1-related disorder. Also called: LAMA1-related disorders; LAMA1-related condition.

Allele frequency attached by ClinVar (database versions not stated): gnomAD exomes 0.00057; ExAC 0.00061; gnomAD 0.00153 and 0.00160; ESP Exome Variant Server 0.00154; TOPMed 0.00180; 1000 Genomes Project 0.00200; 1000 Genomes Project 30x 0.00219.
gnomAD v4.1: 681 of 1,614,122 alleles (0.042%); highest among the groups gnomAD compares: African/African-American, 0.57%; 1 homozygote.

Submissions (6):

CeGaT Center for Human Genetics Tuebingen
Classification: Likely benign. Last evaluated: 2026-08-01. Review status: criteria provided, single submitter. Criteria: CeGaT Center For Human Genetics Tuebingen Variant Classification Criteria Version 2. Collection method: clinical testing. Allele origin: germline. Affected: yes. Observed: 3 variant alleles.
Comment: LAMA1: BP4

Labcorp Genetics (formerly Invitae), Labcorp
Classification: Likely benign. Last evaluated: 2026-01-21. Review status: criteria provided, single submitter. Criteria: Invitae Variant Classification Sherloc (09022015). Collection method: clinical testing. Allele origin: germline.

Blueprint Genetics
Classification: Likely benign. Last evaluated: 2024-07-11. Review status: criteria provided, single submitter. Criteria: ACMG Guidelines, 2015. Collection method: clinical testing. Allele origin: germline.

Women's Health and Genetics/Laboratory Corporation of America, LabCorp
Classification: Likely benign. Last evaluated: 2024-04-29. Review status: criteria provided, single submitter. Criteria: LabCorp Variant Classification Summary - May 2015. Collection method: clinical testing. Allele origin: germline.
Comment: Variant summary: LAMA1 c.3724G>A (p.Ala1242Thr) results in a non-conservative amino acid change located in the second Laminin IV domain (IPR000034) of the encoded protein sequence. Three of five in-silico tools predict a benign effect of the variant on protein function. The variant allele was found at a frequency of 0.00041 in 1607148 control chromosomes, predominantly at a frequency of 0.0057 within the African or African-American subpopulation in the gnomAD database (v4.1 dataset), including 1 homozygote. The observed variant frequency strongly suggests that the variant is a benign polymorphism. The variant, c.3724G>A, has been reported in the literature in an individual affected with adult-onset ataxia (Ngo_LAMA1_HM_2020), however no supportive evidence for causality was provided. These report(s) do not provide unequivocal conclusions about association of the variant with Ataxia-Intellectual Disability-Oculomotor Apraxia-Cerebellar Cysts Syndrome. To our knowledge, no experimental evidence demonstrating an impact on protein function has been reported. The following publication have been ascertained in the context of this evaluation (PMID: 31692161). ClinVar contains an entry for this variant (Variation ID: 714867). Based on the evidence outlined above, the variant was classified as likely benign.

Breakthrough Genomics
Classification: Likely benign. Review status: criteria provided, single submitter. Criteria: ACMG Guidelines, 2015. Collection method: not provided. Allele origin: germline. Inheritance: Autosomal recessive inheritance. Affected: yes.

PreventionGenetics, part of Exact Sciences
Classification: Likely benign for LAMA1-related condition. Last evaluated: 2019-10-16. Review status: no assertion criteria provided. Collection method: clinical testing. Allele origin: germline. Not counted in ClinVar's aggregate classification.
Comment: This variant is classified as likely benign based on ACMG/AMP sequence variant interpretation guidelines (Richards et al. 2015 PMID: 25741868, with internal and published modifications).

Literature cited by the submitters: PubMed 31692161 (cited by Women's Health and Genetics/Laboratory Corporation of America, LabCorp).